The following is an entry in ClinVar:

ClinVar aggregate classification (germline): Uncertain significance (1 of 4 stars; one submission).

Conditions:
Charcot-Marie-Tooth disease type 2. Also called: Charcot-Marie-Tooth type 2. Identifiers: Orphanet 64746, MedGen C0270914, MONDO:0018993.

Submission:

Labcorp Genetics (formerly Invitae), Labcorp
Classification: Uncertain significance for Charcot-Marie-Tooth disease type 2. Last evaluated: 2025-10-22. Review status: criteria provided, single submitter. Criteria: Invitae Variant Classification Sherloc (09022015). Collection method: clinical testing. Allele origin: germline.
Comment: This sequence change replaces alanine, which is neutral and non-polar, with threonine, which is neutral and polar, at codon 754 of the AARS protein (p.Ala754Thr). This variant is not present in population databases (gnomAD no frequency). This variant has not been reported in the literature in individuals affected with AARS-related conditions. ClinVar contains an entry for this variant (Variation ID: 852878). Invitae Evidence Modeling of protein sequence and biophysical properties (such as structural, functional, and spatial information, amino acid conservation, physicochemical variation, residue mobility, and thermodynamic stability) has been performed for this missense variant. However, the output from this modeling did not meet the statistical confidence thresholds required to predict the impact of this variant on AARS protein function. In summary, the available evidence is currently insufficient to determine the role of this variant in disease. Therefore, it has been classified as a Variant of Uncertain Significance.

NM_001605.3(AARS1):c.2260G>A (p.Ala754Thr)

Gene: AARS1 (alanyl-tRNA synthetase 1; minus strand). Cytogenetic location: 16q22.1.
Variant type: single nucleotide variant.
Coding change: c.2260G>A on transcript NM_001605.3 (MANE Select); coding-DNA position 2260, G replaced by A.
Protein change: p.Ala754Thr; replaces alanine 754 with threonine.
Molecular consequence: missense variant.
Genome position (GRCh38, 1-based): chr16:70,255,754, C>T on the plus strand (G>A on the coding strand, the complement: AARS1 is on the minus strand). VCF-style: chr16-70255754-C-T. GRCh37 (hg19) VCF-style: chr16-70289657-C-T.
Other names: short protein forms A754T.
Identifiers: ClinVar variation 852878 (VCV000852878.9), dbSNP rs1959974421, ClinGen allele CA396556852.